The following is an entry in ClinVar:

ClinVar aggregate classification (germline): Conflicting classifications of pathogenicity. Review status: criteria provided, conflicting classifications (1 of 4 stars). 3 submissions from 3 submitters: Pathogenic (1); Likely pathogenic (1); Uncertain significance (1). Last evaluated 2025-03-18.

Conditions:
Early-infantile DEE. Also called: Ohtahara syndrome; Early infantile epileptic encephalopathy; Early infantile epileptic encephalopathy with suppression bursts. Identifiers: Orphanet 1934, MedGen C0393706, MONDO:0800491.

Allele frequency attached by ClinVar (database versions not stated): gnomAD exomes 0.00001.

Submissions (3):

Labcorp Genetics (formerly Invitae), Labcorp
Classification: Pathogenic for Early-infantile DEE. Last evaluated: 2025-03-18. Review status: criteria provided, single submitter. Criteria: Invitae Variant Classification Sherloc (09022015). Collection method: clinical testing. Allele origin: germline.
Comment: This sequence change creates a premature translational stop signal (p.Cys246*) in the SLC25A22 gene. It is expected to result in an absent or disrupted protein product. Loss-of-function variants in SLC25A22 are known to be pathogenic (PMID: 15592994, 19780765). This variant is present in population databases (rs796053242, gnomAD 0.01%). This variant has not been reported in the literature in individuals affected with SLC25A22-related conditions. ClinVar contains an entry for this variant (Variation ID: 207174). For these reasons, this variant has been classified as Pathogenic.

GeneDx
Classification: Uncertain significance. Last evaluated: 2023-05-16. Review status: criteria provided, single submitter. Criteria: GeneDx Variant Classification Process June 2021. Collection method: clinical testing. Allele origin: germline. Affected: yes.
Comment: Nonsense variant predicted to result in protein truncation or nonsense mediated decay in a gene or region of a gene for which loss of function is not a well-established mechanism of disease; Not observed at a significant frequency in large population cohorts (gnomAD); Has not been previously published as pathogenic or benign to our knowledge

ARUP Laboratories, Molecular Genetics and Genomics, ARUP Laboratories
Classification: Likely pathogenic. Last evaluated: 2018-05-30. Review status: criteria provided, single submitter. Criteria: ARUP Molecular Germline Variant Investigation Process. Collection method: clinical testing. Allele origin: germline.
Comment: The SLC25A22 c.735_736delCT; p.Cys246Ter variant (rs796053242), to our knowledge, is not reported in the medical literature or in gene-specific databases. The variant is reported in the ClinVar Database (Variation ID: 207174), but is absent from general population databases (1000 Genomes Project, Exome Variant Server, and Genome Aggregation Database), indicating it is not a common polymorphism. This variant deletes two nucleotides leading to an immediate termination codon and is predicted to result in a truncated protein or mRNA subject to nonsense-mediated decay. Considering available information, this variant is classified as likely pathogenic. Pathogenic SLC25A22 variants are causative for autosomal recessive early infantile epileptic encephalopathy (MIM: 609304).

Literature cited by the submitters: PubMed 15592994 (cited by Labcorp Genetics (formerly Invitae), Labcorp); PubMed 19780765 (cited by Labcorp Genetics (formerly Invitae), Labcorp).

NM_001191061.2(SLC25A22):c.735_736del (p.Pro245_Cys246insTer)

Gene: SLC25A22 (solute carrier family 25 member 22; minus strand). Cytogenetic location: 11p15.5.
Variant type: Deletion.
Coding change: c.735_736del on transcript NM_001191061.2 (MANE Select); coding-DNA positions 735 to 736, 2 bases deleted (CT; older notation c.735_736delCT).
Protein change: p.Pro245_Cys246insTer.
Molecular consequence: frameshift variant.
Genome position (GRCh38, 1-based): chr11:792,310-792,311, AG deleted on the plus strand (CT on the coding strand, the reverse complement: SLC25A22 is on the minus strand). VCF-style (leftmost placement, unchanged base first): chr11-792309-CAG-C. GRCh37 (hg19) VCF-style: chr11-792309-CAG-C.
Other names: c.735_736del, p.Pro245_Cys246insTer (NM_001191060.2, NM_024698.6); c.735_736del (NM_024698.5); c.735_736delCT (NM_001191060.1).
Identifiers: ClinVar variation 207174 (VCV000207174.17), dbSNP rs796053242, ClinGen allele CA318400.
Genomic context (GRCh38, chr11:792,309, plus strand): 5'-GGCCAAGGGCTCAGTCCCGCCCCATCCCCAGCCGGGCGCCATCCCATGCACTGACCATCA[CAG>C]GGGTTGACGGCCACAGCGGCGGCACTCCCAGCCACACAGCCGGCCAGGAAGGACACGTAG-3'